The following is an entry in ClinVar:

NM_020461.4(TUBGCP6):c.5332A>G (p.Asn1778Asp)

Gene: TUBGCP6 (tubulin gamma complex component 6; minus strand). Cytogenetic location: 22q13.33.
Variant type: single nucleotide variant.
Coding change: c.5332A>G on transcript NM_020461.4 (MANE Select); coding-DNA position 5332, A replaced by G.
Protein change: p.Asn1778Asp; replaces asparagine 1778 with aspartic acid.
Molecular consequence: missense variant.
Genome position (GRCh38, 1-based): chr22:50,217,954, T>C on the plus strand (A>G on the coding strand, the complement: TUBGCP6 is on the minus strand). VCF-style: chr22-50217954-T-C. GRCh37 (hg19) VCF-style: chr22-50656383-T-C.
Other names: short protein forms N1778D.
Identifiers: ClinVar variation 1422151 (VCV001422151.6), dbSNP rs2147171008, ClinGen allele CA412162227.

ClinVar aggregate classification (germline): Uncertain significance (1 of 4 stars; one submission).

Allele frequency attached by ClinVar (database versions not stated): gnomAD exomes below 0.00001.
gnomAD v4.1: 4 of 1,610,330 alleles (0.00025%); highest among the groups gnomAD compares: South Asian, 0.0011%; no homozygotes.

Submission:

Labcorp Genetics (formerly Invitae), Labcorp
Classification: Uncertain significance. Last evaluated: 2021-10-21. Review status: criteria provided, single submitter. Criteria: Invitae Variant Classification Sherloc (09022015). Collection method: clinical testing. Allele origin: germline.
Comment: Algorithms developed to predict the effect of missense changes on protein structure and function (SIFT, PolyPhen-2, Align-GVGD) all suggest that this variant is likely to be tolerated. In summary, the available evidence is currently insufficient to determine the role of this variant in disease. Therefore, it has been classified as a Variant of Uncertain Significance. This variant has not been reported in the literature in individuals affected with TUBGCP6-related conditions. This sequence change replaces asparagine with aspartic acid at codon 1778 of the TUBGCP6 protein (p.Asn1778Asp). The asparagine residue is moderately conserved and there is a small physicochemical difference between asparagine and aspartic acid. This variant is not present in population databases (ExAC no frequency).